The following is an entry in ClinVar:

ClinVar aggregate classification (germline): Pathogenic (1 of 4 stars; one submission).

Conditions:
Developmental and epileptic encephalopathy, 23 (DEE23). Also called: Epileptic encephalopathy, early infantile, 23. Identifiers: Orphanet 411986, MedGen C4014492, MONDO:0014371, OMIM 615859.

Submission:

Victorian Clinical Genetics Services, Murdoch Childrens Research Institute
Classification: Pathogenic for Developmental and epileptic encephalopathy, 23. Last evaluated: 2022-03-31. Review status: criteria provided, single submitter. Criteria: ACMG Guidelines, 2015. Collection method: clinical testing. Allele origin: germline. Inheritance: Autosomal recessive inheritance.
Comment: Based on the classification scheme VCGS_Germline_v1.3.4, this variant is classified as Pathogenic. Following criteria are met: 0102 - Loss of function is a known mechanism of disease in this gene and is associated with Developmental and epileptic encephalopathy 23 (MIM#615859). (I) 0106 - This gene is associated with autosomal recessive disease. (I) 0201 - Variant is predicted to cause nonsense-mediated decay (NMD) and loss of protein (premature termination codon is located at least 54 nucleotides upstream of the final exon-exon junction). (SP) 0251 - This variant is heterozygous. (I) 0301 - Variant is absent from gnomAD (both v2 and v3). (SP) 0701 - Other NMD-predicted variants comparable to the one identified in this case have very strong previous evidence for pathogenicity. NMD-predicted variants in this gene are well-reported pathogenic in ClinVar and the literature (PMID: 24814191). (SP) 0807 - This variant has no previous evidence of pathogenicity. (I) 0905 - No published segregation evidence has been identified for this variant. (I) 1007 - No published functional evidence has been identified for this variant. (I) Legend: (SP) - Supporting pathogenic, (I) - Information, (SB) - Supporting benign

Literature cited by the submitters: PubMed 24814191.

NM_001367561.1(DOCK7):c.453dup (p.Gly152fs)

Gene: DOCK7 (dedicator of cytokinesis 7; minus strand). Cytogenetic location: 1p31.3.
Variant type: Duplication.
Coding change: c.453dup on transcript NM_001367561.1 (MANE Select); coding-DNA position 453, one base duplicated (A; older notation c.453dupA).
Protein change: p.Gly152fs; shifts the reading frame from glycine 152.
Molecular consequence: frameshift variant.
Genome position (GRCh38, 1-based): chr1:62,648,481, T duplicated on the plus strand (A on the coding strand, the reverse complement: DOCK7 is on the minus strand); the first of 5 consecutive T bases (chr1:62,648,481-62,648,485); duplicating any one gives the same sequence. VCF-style (leftmost placement, unchanged base first): chr1-62648480-C-CT. GRCh37 (hg19) VCF-style: chr1-63114151-C-CT.
Other names: c.453dup, p.Gly152fs (NM_001271999.2, NM_001272000.2, NM_001272001.2 and 3 more transcripts); short protein forms G152fs.
Identifiers: ClinVar variation 2500751 (VCV002500751.2), dbSNP rs2523280337, ClinGen allele CA2573102940.